The following is an entry in ClinVar:

NM_000393.5(COL5A2):c.1059+6T>C

Gene: COL5A2 (collagen type V alpha 2 chain; minus strand). Cytogenetic location: 2q32.2.
Variant type: single nucleotide variant.
Coding change: c.1059+6T>C on transcript NM_000393.5 (MANE Select); 6 bases into the intron after coding-DNA position 1059, T replaced by C.
Molecular consequence: intron variant.
Genome position (GRCh38, 1-based): chr2:189,078,510, A>G on the plus strand (T>C on the coding strand, the complement: COL5A2 is on the minus strand). VCF-style: chr2-189078510-A-G. GRCh37 (hg19) VCF-style: chr2-189943236-A-G.
Identifiers: ClinVar variation 2107118 (VCV002107118.4), dbSNP rs2469338440, ClinGen allele CA2580065286.

ClinVar aggregate classification (germline): Uncertain significance (1 of 4 stars; one submission).

Conditions:
Ehlers-Danlos syndrome, classic type, 1 (EDSCL1). Also called: EHLERS-DANLOS SYNDROME, GRAVIS TYPE; EHLERS-DANLOS SYNDROME, SEVERE CLASSIC TYPE; Ehlers-Danlos syndrome, type 1; EDS I; Ehlers-Danlos Syndrome, Classic Type, COL5A1-Related. Identifiers: MedGen C0268335, MONDO:0019567, OMIM 130000.

Submission:

Labcorp Genetics (formerly Invitae), Labcorp
Classification: Uncertain significance for Ehlers-Danlos syndrome, classic type, 1. Last evaluated: 2022-03-05. Review status: criteria provided, single submitter. Criteria: Invitae Variant Classification Sherloc (09022015). Collection method: clinical testing. Allele origin: germline.
Comment: In summary, the available evidence is currently insufficient to determine the role of this variant in disease. Therefore, it has been classified as a Variant of Uncertain Significance. This sequence change falls in intron 16 of the COL5A2 gene. It does not directly change the encoded amino acid sequence of the COL5A2 protein. It affects a nucleotide within the consensus splice site. This variant is not present in population databases (gnomAD no frequency). This variant has not been reported in the literature in individuals affected with COL5A2-related conditions. Variants that disrupt the consensus splice site are a relatively common cause of aberrant splicing (PMID: 17576681, 9536098). Algorithms developed to predict the effect of sequence changes on RNA splicing suggest that this variant may disrupt the consensus splice site.

Literature cited by the submitters: PubMed 17576681; PubMed 9536098.